The following is an entry in ClinVar:

ClinVar aggregate classification (germline): Uncertain significance (1 of 4 stars; one submission).

Allele frequency attached by ClinVar (database versions not stated): gnomAD exomes below 0.00001; TOPMed below 0.00001.
gnomAD v4.1: 4 of 1,613,770 alleles (0.00025%); highest among the groups gnomAD compares: Non-Finnish European, 0.00025%; no homozygotes.

Submission:

Labcorp Genetics (formerly Invitae), Labcorp
Classification: Uncertain significance. Last evaluated: 2022-08-23. Review status: criteria provided, single submitter. Criteria: Invitae Variant Classification Sherloc (09022015). Collection method: clinical testing. Allele origin: germline.
Comment: In summary, the available evidence is currently insufficient to determine the role of this variant in disease. Therefore, it has been classified as a Variant of Uncertain Significance. Algorithms developed to predict the effect of missense changes on protein structure and function (SIFT, PolyPhen-2, Align-GVGD) all suggest that this variant is likely to be tolerated. ClinVar contains an entry for this variant (Variation ID: 951007). This variant has not been reported in the literature in individuals affected with SZT2-related conditions. This variant is present in population databases (no rsID available, gnomAD 0.002%). This sequence change replaces threonine, which is neutral and polar, with alanine, which is neutral and non-polar, at codon 1496 of the SZT2 protein (p.Thr1496Ala).

NM_001365999.1(SZT2):c.4657A>G (p.Thr1553Ala)

Gene: SZT2 (SZT2 subunit of KICSTOR complex; plus strand). Cytogenetic location: 1p34.2.
Variant type: single nucleotide variant.
Coding change: c.4657A>G on transcript NM_001365999.1 (MANE Select); coding-DNA position 4657, A replaced by G.
Protein change: p.Thr1553Ala; replaces threonine 1553 with alanine.
Molecular consequence: missense variant.
Genome position (GRCh38, 1-based): chr1:43,430,672, A>G. VCF-style: chr1-43430672-A-G. GRCh37 (hg19) VCF-style: chr1-43896343-A-G.
Other names: c.4486A>G, p.Thr1496Ala (NM_015284.4); short protein forms T1496A, T1553A.
Identifiers: ClinVar variation 951007 (VCV000951007.7), dbSNP rs1252617271, ClinGen allele CA340022457.